The following is an entry in ClinVar:

NM_014844.5(TECPR2):c.142A>G (p.Ile48Val)

Gene: TECPR2 (tectonin beta-propeller repeat containing 2; plus strand). Cytogenetic location: 14q32.31.
Variant type: single nucleotide variant.
Coding change: c.142A>G on transcript NM_014844.5 (MANE Select); coding-DNA position 142, A replaced by G.
Protein change: p.Ile48Val; replaces isoleucine 48 with valine.
Molecular consequence: missense variant.
Genome position (GRCh38, 1-based): chr14:102,376,863, A>G. VCF-style: chr14-102376863-A-G. GRCh37 (hg19) VCF-style: chr14-102843200-A-G.
Other names: c.142A>G, p.Ile48Val (NM_001172631.3); short protein forms I48V.
Identifiers: ClinVar variation 961418 (VCV000961418.10), dbSNP rs774552033, ClinGen allele CA7357345.
Genomic context (GRCh38, chr14:102,376,863, plus strand): 5'-CAGAAGGGTTTCCGCTCTATCGTGGTCTATCTCACGGCCCTCGACACCAACGGGGACTAC[A>G]TCGCGGTGGGCAGCAGCATCGGCATGCTCTATCTGTACTGCCGGCACCTCAACCAGATGA-3'
Protein context (NP_055659.2, residues 38-58): LTALDTNGDY[Ile48Val]AVGSSIGMLY

ClinVar aggregate classification (germline): Uncertain significance. Review status: criteria provided, single submitter (1 of 4 stars). 2 submissions from 2 submitters: Uncertain significance (1). 1 of the submissions does not count toward it. Last evaluated 2021-08-27.

Conditions:
Hereditary spastic paraplegia 49 (HSAN9). Also called: Spastic paraplegia 49, autosomal recessive; NEUROPATHY, HEREDITARY SENSORY AND AUTONOMIC, TYPE IX, WITH DEVELOPMENTAL DELAY; TECPR2-Related Hereditary Sensory and Autonomic Neuropathy with Intellectual Disability. Identifiers: Orphanet 320385, MedGen C5190860, MONDO:0014016, OMIM 615031.

Allele frequency attached by ClinVar (database versions not stated): TOPMed below 0.00001; gnomAD 0.00001; gnomAD exomes 0.00001 and 0.00002; ExAC 0.00003.
gnomAD v4.1: 8 of 1,613,972 alleles (0.0005%); highest among the groups gnomAD compares: Non-Finnish European, 0.00042%; no homozygotes.

Submissions (2):

Labcorp Genetics (formerly Invitae), Labcorp
Classification: Uncertain significance for Hereditary spastic paraplegia 49. Last evaluated: 2021-08-27. Review status: criteria provided, single submitter. Criteria: Invitae Variant Classification Sherloc (09022015). Collection method: clinical testing. Allele origin: germline.
Comment: This sequence change replaces isoleucine with valine at codon 48 of the TECPR2 protein (p.Ile48Val). The isoleucine residue is moderately conserved and there is a small physicochemical difference between isoleucine and valine. This variant is present in population databases (rs774552033, ExAC 0.006%). This variant has not been reported in the literature in individuals affected with TECPR2-related conditions. Algorithms developed to predict the effect of missense changes on protein structure and function are either unavailable or do not agree on the potential impact of this missense change (SIFT: "Tolerated"; PolyPhen-2: "Probably Damaging"; Align-GVGD: "Class C15"). In summary, the available evidence is currently insufficient to determine the role of this variant in disease. Therefore, it has been classified as a Variant of Uncertain Significance.

Natera, Inc.
Classification: Uncertain significance for Autosomal recessive spastic paraplegia type 49. Last evaluated: 2021-02-14. Review status: no assertion criteria provided. Collection method: clinical testing. Allele origin: germline. Not counted in ClinVar's aggregate classification.